The following is an entry in ClinVar:

ClinVar aggregate classification (germline): Likely benign (1 of 4 stars; one submission).

Allele frequency attached by ClinVar (database versions not stated): TOPMed 0.00001 and 0.00002; ExAC 0.00001; gnomAD 0.00001; ESP Exome Variant Server 0.00008.
gnomAD v4.1: 7 of 1,613,258 alleles (0.00043%); highest among the groups gnomAD compares: Non-Finnish European, 0.00059%; no homozygotes.

Submission:

GeneDx
Classification: Likely benign. Last evaluated: 2018-02-09. Review status: criteria provided, single submitter. Criteria: GeneDx Variant Classification (06012015). Collection method: clinical testing. Allele origin: germline. Affected: yes.
Comment: This variant is considered likely benign or benign based on one or more of the following criteria: it is a conservative change, it occurs at a poorly conserved position in the protein, it is predicted to be benign by multiple in silico algorithms, and/or has population frequency not consistent with disease.

NM_002489.4(NDUFA4):c.-18G>T

Gene: NDUFA4 (NDUFA4 mitochondrial complex associated; minus strand). Cytogenetic location: 7p21.3.
Variant type: single nucleotide variant.
Coding change: c.-18G>T on transcript NM_002489.4 (MANE Select); 18 bases upstream of the start codon, G replaced by T.
Molecular consequence: 5 prime UTR variant.
Genome position (GRCh38, 1-based): chr7:10,940,075, C>A on the plus strand (G>T on the coding strand, the complement: NDUFA4 is on the minus strand). VCF-style: chr7-10940075-C-A. GRCh37 (hg19) VCF-style: chr7-10979702-C-A.
Identifiers: ClinVar variation 515233 (VCV000515233.1), dbSNP rs373796210, ClinGen allele CA4162671.
Genomic context (GRCh38, chr7:10,940,075, plus strand): 5'-CGCTCGGATGCTTCTTGGCCTGACCGATGATCTGGCGGAGCATGTTTGCGGCAGAGGTCT[C>A]CGACTGGAAAGGAGAGAACCGACCTAGCCACCAGGCCCTAAGCTAAAAATTATCTGCAAT-3'